The following is an entry in ClinVar:

ClinVar aggregate classification (germline): Likely benign (1 of 4 stars; one submission).

gnomAD v4.1: 1 of 1,612,126 alleles (0.000062%); highest among the groups gnomAD compares: Non-Finnish European, 0.000085%; no homozygotes.

Submission:

CeGaT Center for Human Genetics Tuebingen
Classification: Likely benign. Last evaluated: 2023-12-01. Review status: criteria provided, single submitter. Criteria: CeGaT Center For Human Genetics Tuebingen Variant Classification Criteria Version 2. Collection method: clinical testing. Allele origin: germline. Affected: yes. Observed: 3 variant alleles.
Comment: MYH11: PM2:Supporting, BP4, BP7

NM_002474.3(MYH11):c.3708G>C (p.Leu1236=)

Gene: MYH11 (myosin heavy chain 11; minus strand). Cytogenetic location: 16p13.11.
Variant type: single nucleotide variant.
Coding change: c.3708G>C on transcript NM_002474.3 (MANE Select); coding-DNA position 3708, G replaced by C.
Protein change: p.Leu1236=; no amino-acid change (leucine 1236 retained).
Molecular consequence: synonymous variant.
Genome position (GRCh38, 1-based): chr16:15,726,998, C>G on the plus strand (G>C on the coding strand, the complement: MYH11 is on the minus strand). VCF-style: chr16-15726998-C-G. GRCh37 (hg19) VCF-style: chr16-15820855-C-G.
Other names: c.3729G>C, p.Leu1243= (NM_001040113.2, NM_001040114.2); c.3708G>C, p.Leu1236= (NM_022844.3).
Identifiers: ClinVar variation 2672620 (VCV002672620.23), dbSNP rs754000382, ClinGen allele CA493766176.
Genomic context (GRCh38, chr16:15,726,998, plus strand): 5'-CTTCTTCTTCTTATGTTCCACCTCCTGCTTGGCCTGGCCCAGGACCCGCAGCTCCCCGGC[C>G]AGGTCTGCGTTCTCTTTCTCCAGCGTCTGCTTATTCTTGTCTAGGTTCGCCTTGGCCTGG-3'
Protein context (NP_002465.1, residues 1226-1246): KQTLEKENAD[Leu1236=]AGELRVLGQA